The following is an entry in ClinVar:

ClinVar aggregate classification (germline): Uncertain significance (1 of 4 stars; one submission).

Conditions:
T-B+ severe combined immunodeficiency due to JAK3 deficiency. Also called: SCID, autosomal recessive, T-negative/B-positive type; SCID, T CELL-NEGATIVE, B CELL-POSITIVE, NK CELL-NEGATIVE. Identifiers: Orphanet 35078, MedGen C1833275, MONDO:0010938, OMIM 600802.

Allele frequency attached by ClinVar (database versions not stated): gnomAD 0.00002.

Submission:

Labcorp Genetics (formerly Invitae), Labcorp
Classification: Uncertain significance for T-B+ severe combined immunodeficiency due to JAK3 deficiency. Last evaluated: 2022-10-01. Review status: criteria provided, single submitter. Criteria: Invitae Variant Classification Sherloc (09022015). Collection method: clinical testing. Allele origin: germline.
Comment: This sequence change affects codon 21 of the JAK3 mRNA. It is a 'silent' change, meaning that it does not change the encoded amino acid sequence of the JAK3 protein. This variant is present in population databases (rs754954318, gnomAD 0.01%). This variant has not been reported in the literature in individuals affected with JAK3-related conditions. ClinVar contains an entry for this variant (Variation ID: 1434594). Algorithms developed to predict the effect of sequence changes on RNA splicing suggest that this variant may create or strengthen a splice site. In summary, the available evidence is currently insufficient to determine the role of this variant in disease. Therefore, it has been classified as a Variant of Uncertain Significance.

NM_000215.4(JAK3):c.63G>A (p.Thr21=)

Gene: JAK3 (Janus kinase 3; minus strand). Cytogenetic location: 19p13.11.
Variant type: single nucleotide variant.
Coding change: c.63G>A on transcript NM_000215.4 (MANE Select); coding-DNA position 63, G replaced by A.
Protein change: p.Thr21=; no amino-acid change (threonine 21 retained).
Molecular consequence: synonymous variant.
Genome position (GRCh38, 1-based): chr19:17,844,355, C>T on the plus strand (G>A on the coding strand, the complement: JAK3 is on the minus strand). VCF-style: chr19-17844355-C-T. GRCh37 (hg19) VCF-style: chr19-17955164-C-T.
Identifiers: ClinVar variation 1434594 (VCV001434594.5), dbSNP rs754954318, ClinGen allele CA9302276.